The following is an entry in ClinVar:

ClinVar aggregate classification (germline): Likely benign (1 of 4 stars; one submission).

Allele frequency attached by ClinVar (database versions not stated): 1000 Genomes Project 0.00100; 1000 Genomes Project 30x 0.00109; TOPMed 0.00196; ESP Exome Variant Server 0.00223; gnomAD 0.00358; ExAC 0.00405.
gnomAD v4.1: 5,519 of 1,614,058 alleles (0.34%); highest among the groups gnomAD compares: Non-Finnish European, 0.33%; 29 homozygotes.

Submission:

CeGaT Center for Human Genetics Tuebingen
Classification: Likely benign. Last evaluated: 2023-02-01. Review status: criteria provided, single submitter. Criteria: CeGaT Center For Human Genetics Tuebingen Variant Classification Criteria Version 2. Collection method: clinical testing. Allele origin: germline. Affected: yes. Observed: 2 variant alleles.
Comment: LRRN2: BP4, BP7, BS2

NM_201630.2(LRRN2):c.1194G>A (p.Ala398=)

Genes: LRRN2 (leucine rich repeat neuronal 2; minus strand), LRRN2-AS1 (LRRN2 antisense RNA 1; plus strand). Cytogenetic location: 1q32.1.
Variant type: single nucleotide variant.
Coding change: c.1194G>A on transcript NM_201630.2 (MANE Select); coding-DNA position 1194, G replaced by A.
Protein change: p.Ala398=; no amino-acid change (alanine 398 retained).
Molecular consequence: synonymous variant.
Genome position (GRCh38, 1-based): chr1:204,618,799, C>T on the plus strand (G>A on the coding strand, the complement: LRRN2 is on the minus strand). VCF-style: chr1-204618799-C-T. GRCh37 (hg19) VCF-style: chr1-204587927-C-T.
Other names: c.1194G>A, p.Ala398= (NM_006338.3).
Identifiers: ClinVar variation 2639833 (VCV002639833.24), dbSNP rs115813868, ClinGen allele CA1349105.